The following is an entry in ClinVar:

NM_006648.4(WNK2):c.2468C>T (p.Ala823Val)

Gene: WNK2 (WNK lysine deficient protein kinase 2; plus strand). Cytogenetic location: 9q22.31.
Variant type: single nucleotide variant.
Coding change: c.2468C>T on transcript NM_006648.4 (MANE Select); coding-DNA position 2468, C replaced by T.
Protein change: p.Ala823Val; replaces alanine 823 with valine.
Molecular consequence: missense variant.
Genome position (GRCh38, 1-based): chr9:93,259,016, C>T. VCF-style: chr9-93259016-C-T. GRCh37 (hg19) VCF-style: chr9-96021298-C-T.
Other names: c.2468C>T, p.Ala823Val (NM_001282394.3); short protein forms A823V.
Identifiers: ClinVar variation 3470258 (VCV003470258.1).

ClinVar aggregate classification (germline): Uncertain significance (1 of 4 stars; one submission).

gnomAD v4.1: 23 of 1,612,866 alleles (0.0014%); highest among the groups gnomAD compares: East Asian, 0.0022%; no homozygotes.

Submission:

Ambry Genetics
Classification: Uncertain significance. Last evaluated: 2024-11-21. Review status: criteria provided, single submitter. Criteria: Ambry Variant Classification Scheme 2023. Collection method: clinical testing. Allele origin: germline.
Comment: The p.A823V variant (also known as c.2468C>T), located in coding exon 11 of the WNK2 gene, results from a C to T substitution at nucleotide position 2468. The alanine at codon 823 is replaced by valine, an amino acid with similar properties. This amino acid position is conserved. In addition, this alteration is predicted to be tolerated by in silico analysis. Based on the available evidence, the clinical significance of this variant remains unclear.